The following is an entry in ClinVar:

NM_003722.5(TP63):c.324+6T>A

Gene: TP63 (tumor protein p63; plus strand). Cytogenetic location: 3q28.
Variant type: single nucleotide variant.
Coding change: c.324+6T>A on transcript NM_003722.5 (MANE Select); 6 bases into the intron after coding-DNA position 324, T replaced by A.
Molecular consequence: intron variant.
Genome position (GRCh38, 1-based): chr3:189,738,780, T>A. VCF-style: chr3-189738780-T-A. GRCh37 (hg19) VCF-style: chr3-189456569-T-A.
Other names: c.318+6T>A (NM_001329964.2); c.324+6T>A (NM_001114978.2, NM_001329144.2, NM_001329148.2 and 1 more transcripts).
Identifiers: ClinVar variation 3650479 (VCV003650479.1).

ClinVar aggregate classification (germline): Uncertain significance (1 of 4 stars; one submission).

Conditions:
TP63-Related Spectrum Disorders.

Submission:

Labcorp Genetics (formerly Invitae), Labcorp
Classification: Uncertain significance. Last evaluated: 2024-04-20. Review status: criteria provided, single submitter. Criteria: Invitae Variant Classification Sherloc (09022015). Collection method: clinical testing. Allele origin: germline.
Comment: This sequence change falls in intron 3 of the TP63 gene. It does not directly change the encoded amino acid sequence of the TP63 protein. It affects a nucleotide within the consensus splice site. This variant is not present in population databases (gnomAD no frequency). This variant has not been reported in the literature in individuals affected with TP63-related conditions. Variants that disrupt the consensus splice site are a relatively common cause of aberrant splicing (PMID: 17576681, 9536098). Algorithms developed to predict the effect of sequence changes on RNA splicing suggest that this variant may create or strengthen a splice site. In summary, the available evidence is currently insufficient to determine the role of this variant in disease. Therefore, it has been classified as a Variant of Uncertain Significance.

Literature cited by the submitters: PubMed 17576681; PubMed 9536098.